The following is an entry in ClinVar:

ClinVar aggregate classification (germline): Uncertain significance (1 of 4 stars; one submission).

Allele frequency attached by ClinVar (database versions not stated): gnomAD exomes below 0.00001.
gnomAD v4.1: 1 of 1,399,828 alleles (0.000071%); highest among the groups gnomAD compares: Non-Finnish European, 0.000092%; no homozygotes.

Submission:

Labcorp Genetics (formerly Invitae), Labcorp
Classification: Uncertain significance. Last evaluated: 2023-01-15. Review status: criteria provided, single submitter. Criteria: Invitae Variant Classification Sherloc (09022015). Collection method: clinical testing. Allele origin: germline.
Comment: This sequence change replaces glycine, which is neutral and non-polar, with aspartic acid, which is acidic and polar, at codon 44 of the KCNQ5 protein (p.Gly44Asp). The frequency data for this variant in the population databases is considered unreliable, as metrics indicate poor data quality at this position in the gnomAD database. In summary, the available evidence is currently insufficient to determine the role of this variant in disease. Therefore, it has been classified as a Variant of Uncertain Significance. Advanced modeling of protein sequence and biophysical properties (such as structural, functional, and spatial information, amino acid conservation, physicochemical variation, residue mobility, and thermodynamic stability) performed at Invitae indicates that this missense variant is not expected to disrupt KCNQ5 protein function. This variant has not been reported in the literature in individuals affected with KCNQ5-related conditions.

NM_019842.4(KCNQ5):c.131G>A (p.Gly44Asp)

Genes: KCNQ5 (potassium voltage-gated channel subfamily Q member 5; plus strand), KCNQ5-DT (KCNQ5 divergent transcript; minus strand). Cytogenetic location: 6q13.
Variant type: single nucleotide variant.
Coding change: c.131G>A on transcript NM_019842.4 (MANE Select); coding-DNA position 131, G replaced by A.
Protein change: p.Gly44Asp; replaces glycine 44 with aspartic acid.
Molecular consequence: missense variant.
Genome position (GRCh38, 1-based): chr6:72,622,320, G>A. VCF-style: chr6-72622320-G-A. GRCh37 (hg19) VCF-style: chr6-73332048-G-A.
Other names: c.131G>A, p.Gly44Asp (NM_001160130.2, NM_001160132.2, NM_001160133.2 and 1 more transcripts); short protein forms G44D.
Identifiers: ClinVar variation 2828806 (VCV002828806.3), dbSNP rs1411976143, ClinGen allele CA364824214.